The following is an entry in ClinVar:

NM_001042681.2(RERE):c.3470C>G (p.Ser1157Cys)

Gene: RERE (arginine-glutamic acid dipeptide repeats; minus strand). Cytogenetic location: 1p36.23.
Variant type: single nucleotide variant.
Coding change: c.3470C>G on transcript NM_001042681.2 (MANE Select); coding-DNA position 3470, C replaced by G.
Protein change: p.Ser1157Cys; replaces serine 1157 with cysteine.
Molecular consequence: missense variant.
Genome position (GRCh38, 1-based): chr1:8,359,912, G>C on the plus strand (C>G on the coding strand, the complement: RERE is on the minus strand). VCF-style: chr1-8359912-G-C. GRCh37 (hg19) VCF-style: chr1-8419972-G-C.
Other names: c.1808C>G, p.Ser603Cys (NM_001042682.2); c.3470C>G, p.Ser1157Cys (NM_012102.4); short protein forms S603C, S1157C.
Identifiers: ClinVar variation 2089566 (VCV002089566.4), dbSNP rs1201953079, ClinGen allele CA338170513.

ClinVar aggregate classification (germline): Uncertain significance (1 of 4 stars; one submission).

gnomAD v4.1: 7 of 1,613,294 alleles (0.00043%); highest among the groups gnomAD compares: East Asian, 0.0022%; no homozygotes.

Submission:

Labcorp Genetics (formerly Invitae), Labcorp
Classification: Uncertain significance. Last evaluated: 2022-01-27. Review status: criteria provided, single submitter. Criteria: Invitae Variant Classification Sherloc (09022015). Collection method: clinical testing. Allele origin: germline.
Comment: This variant is present in population databases (no rsID available, gnomAD 0.0009%). This sequence change replaces serine, which is neutral and polar, with cysteine, which is neutral and slightly polar, at codon 1157 of the RERE protein (p.Ser1157Cys). In summary, the available evidence is currently insufficient to determine the role of this variant in disease. Therefore, it has been classified as a Variant of Uncertain Significance. Advanced modeling of protein sequence and biophysical properties (such as structural, functional, and spatial information, amino acid conservation, physicochemical variation, residue mobility, and thermodynamic stability) performed at Invitae indicates that this missense variant is expected to disrupt RERE protein function. This variant has not been reported in the literature in individuals affected with RERE-related conditions.